The following is an entry in ClinVar:

ClinVar aggregate classification (germline): Uncertain significance. Review status: criteria provided, multiple submitters, no conflicts (2 of 4 stars). 2 submissions from 2 submitters: Uncertain significance (2). Last evaluated 2025-12-19.

Conditions:
Familial encephalopathy with neuroserpin inclusion bodies. Also called: ENCEPHALOPATHY, FAMILIAL, WITH COLLINS BODIES. Identifiers: Orphanet 85110, MedGen C1858680, MONDO:0011412, OMIM 604218.
Inborn genetic diseases. Identifiers: MedGen C0950123, MeSH D030342.

Allele frequency attached by ClinVar (database versions not stated): gnomAD exomes 0.00001; gnomAD 0.00002; TOPMed 0.00002.
gnomAD v4.1: 11 of 1,613,942 alleles (0.00068%); highest among the groups gnomAD compares: Admixed American, 0.0067%; no homozygotes.

Submissions (2):

Labcorp Genetics (formerly Invitae), Labcorp
Classification: Uncertain significance for Familial encephalopathy with neuroserpin inclusion bodies. Last evaluated: 2025-12-19. Review status: criteria provided, single submitter. Criteria: Invitae Variant Classification Sherloc (09022015). Collection method: clinical testing. Allele origin: germline.
Comment: This sequence change replaces lysine, which is basic and polar, with glutamine, which is neutral and polar, at codon 130 of the SERPINI1 protein (p.Lys130Gln). This variant is present in population databases (no rsID available, gnomAD 0.003%). This variant has not been reported in the literature in individuals affected with SERPINI1-related conditions. ClinVar contains an entry for this variant (Variation ID: 659213). Invitae Evidence Modeling of protein sequence and biophysical properties (such as structural, functional, and spatial information, amino acid conservation, physicochemical variation, residue mobility, and thermodynamic stability) indicates that this missense variant is not expected to disrupt SERPINI1 protein function with a negative predictive value of 80%. In summary, the available evidence is currently insufficient to determine the role of this variant in disease. Therefore, it has been classified as a Variant of Uncertain Significance.

Ambry Genetics
Classification: Uncertain significance for Inborn genetic diseases. Last evaluated: 2025-01-21. Review status: criteria provided, single submitter. Criteria: Ambry Variant Classification Scheme 2023. Collection method: clinical testing. Allele origin: germline.

NM_001122752.2(SERPINI1):c.388A>C (p.Lys130Gln)

Gene: SERPINI1 (serpin family I member 1; plus strand). Cytogenetic location: 3q26.1.
Variant type: single nucleotide variant.
Coding change: c.388A>C on transcript NM_001122752.2 (MANE Select); coding-DNA position 388, A replaced by C.
Protein change: p.Lys130Gln; replaces lysine 130 with glutamine.
Molecular consequence: missense variant.
Genome position (GRCh38, 1-based): chr3:167,790,509, A>C. VCF-style: chr3-167790509-A-C. GRCh37 (hg19) VCF-style: chr3-167508297-A-C.
Other names: c.388A>C, p.Lys130Gln (NM_005025.5); short protein forms K130Q.
Identifiers: ClinVar variation 659213 (VCV000659213.9), dbSNP rs967193064, ClinGen allele CA87835769.